The following is an entry in ClinVar:

ClinVar aggregate classification (germline): Uncertain significance (1 of 4 stars; one submission).

Conditions:
Hereditary cancer-predisposing syndrome. Also called: Hereditary neoplastic syndrome; Tumor predisposition; Hereditary Cancer Syndrome; Neoplastic Syndromes, Hereditary. Identifiers: Orphanet 140162, MedGen C0027672, MeSH D009386, MONDO:0015356.

Submission:

Ambry Genetics
Classification: Uncertain significance for Hereditary cancer-predisposing syndrome. Last evaluated: 2023-09-05. Review status: criteria provided, single submitter. Criteria: Ambry Variant Classification Scheme 2023. Collection method: clinical testing. Allele origin: germline.
Comment: The p.C288R variant (also known as c.862T>C), located in coding exon 3 of the BLM gene, results from a T to C substitution at nucleotide position 862. The cysteine at codon 288 is replaced by arginine, an amino acid with highly dissimilar properties. This amino acid position is conserved. In addition, this alteration is predicted to be tolerated by in silico analysis. Since supporting evidence is limited at this time, the clinical significance of this alteration remains unclear.

NM_000057.4(BLM):c.862T>C (p.Cys288Arg)

Gene: BLM (BLM RecQ like helicase; plus strand). Cytogenetic location: 15q26.1.
Variant type: single nucleotide variant.
Coding change: c.862T>C on transcript NM_000057.4 (MANE Select); coding-DNA position 862, T replaced by C.
Protein change: p.Cys288Arg; replaces cysteine 288 with arginine.
Molecular consequence: missense variant. On other transcripts: 5 prime UTR variant (1).
Genome position (GRCh38, 1-based): chr15:90,751,849, T>C. VCF-style: chr15-90751849-T-C. GRCh37 (hg19) VCF-style: chr15-91295079-T-C.
Other names: c.862T>C, p.Cys288Arg (NM_001287246.2, NM_001287247.2); c.-430T>C (NM_001287248.2); short protein forms C288R.
Identifiers: ClinVar variation 2586903 (VCV002586903.2), dbSNP rs2151149624, ClinGen allele CA393841750.